The following is an entry in ClinVar:

NM_012210.4(TRIM32):c.1042G>T (p.Ala348Ser)

Genes: ASTN2 (astrotactin 2; minus strand), TRIM32 (tripartite motif containing 32; plus strand). Cytogenetic location: 9q33.1.
Variant type: single nucleotide variant.
Coding change: c.1042G>T on transcript NM_012210.4 (MANE Select); coding-DNA position 1042, G replaced by T.
Protein change: p.Ala348Ser; replaces alanine 348 with serine.
Molecular consequence: missense variant. On other transcripts: intron variant (3).
Genome position (GRCh38, 1-based): chr9:116,698,784, G>T. VCF-style: chr9-116698784-G-T. GRCh37 (hg19) VCF-style: chr9-119461063-G-T.
Other names: c.1042G>T, p.Ala348Ser (NM_001099679.2, NM_001379048.1, NM_001379049.1 and 1 more transcripts); c.2653+26987C>A (NM_014010.5); c.2794+26987C>A (NM_001365069.1); c.2806+26987C>A (NM_001365068.1); short protein forms A348S.
Identifiers: ClinVar variation 573882 (VCV000573882.8), dbSNP rs771427815, ClinGen allele CA5211098.

ClinVar aggregate classification (germline): Uncertain significance. Review status: criteria provided, multiple submitters, no conflicts (2 of 4 stars). 2 submissions from 2 submitters: Uncertain significance (2). Last evaluated 2025-10-08.

Conditions:
TRIM32-related disorder. Also called: TRIM32-related condition.
Bardet-Biedl syndrome (BBS). Identifiers: Orphanet 110, MedGen C0752166, MONDO:0015229.

Allele frequency attached by ClinVar (database versions not stated): gnomAD exomes below 0.00001; ExAC 0.00001; gnomAD 0.00001; TOPMed 0.00001.
gnomAD v4.1: 3 of 1,614,068 alleles (0.00019%); highest among the groups gnomAD compares: African/African-American, 0.004%; no homozygotes.

Submissions (2):

PreventionGenetics, part of Exact Sciences
Classification: Uncertain significance for TRIM32-related condition. Last evaluated: 2025-10-08. Review status: criteria provided, single submitter. Criteria: ACMG Guidelines, 2015. Collection method: clinical testing. Allele origin: germline.
Comment: The TRIM32 c.1042G>T variant is predicted to result in the amino acid substitution p.Ala348Ser. To our knowledge, this variant has not been reported in the literature. This variant is reported in 0.0062% of alleles in individuals of African descent in gnomAD. At this time, the clinical significance of this variant is uncertain due to the absence of conclusive functional and genetic evidence.

Labcorp Genetics (formerly Invitae), Labcorp
Classification: Uncertain significance for Bardet-Biedl syndrome. Last evaluated: 2018-03-01. Review status: criteria provided, single submitter. Criteria: Invitae Variant Classification Sherloc (09022015). Collection method: clinical testing. Allele origin: germline.
Comment: In summary, the available evidence is currently insufficient to determine the role of this variant in disease. Therefore, it has been classified as a Variant of Uncertain Significance. Algorithms developed to predict the effect of missense changes on protein structure and function do not agree on the potential impact of this missense change (SIFT: "Tolerated"; PolyPhen-2: "Benign"; Align-GVGD: "Class C25"). This variant has not been reported in the literature in individuals with TRIM32-related disease. This variant is present in population databases (rs771427815, ExAC 0.01%). This sequence change replaces alanine with serine at codon 348 of the TRIM32 protein (p.Ala348Ser). The alanine residue is moderately conserved and there is a moderate physicochemical difference between alanine and serine.